The following is an entry in ClinVar:

ClinVar aggregate classification (germline): Pathogenic/Likely pathogenic. Review status: criteria provided, multiple submitters, no conflicts (2 of 4 stars). 3 submissions from 3 submitters: Pathogenic (2); Likely pathogenic (1). Last evaluated 2025-12-27.

Conditions:
Primary immunodeficiency or monogenic inflammatory bowel disease.
CFI-related disorder. Also called: CFI-related condition; CFI-related disorders. Identifiers: MedGen CN239325.

Allele frequency attached by ClinVar (database versions not stated): gnomAD exomes below 0.00001; TOPMed below 0.00001.
gnomAD v4.1: 1 of 1,613,858 alleles (0.000062%); highest among the groups gnomAD compares: Admixed American, 0.0017%; no homozygotes.

Submissions (3):

Labcorp Genetics (formerly Invitae), Labcorp
Classification: Pathogenic. Last evaluated: 2025-12-27. Review status: criteria provided, single submitter. Criteria: Invitae Variant Classification Sherloc (09022015). Collection method: clinical testing. Allele origin: germline.
Comment: This sequence change replaces histidine, which is basic and polar, with arginine, which is basic and polar, at codon 380 of the CFI protein (p.His380Arg). This variant is present in population databases (no rsID available, gnomAD 0.0009%). This missense change has been observed in individual(s) with complement factor I deficiency (PMID: 28942469, 29696024). It has also been observed to segregate with disease in related individuals. ClinVar contains an entry for this variant (Variation ID: 2203560). Invitae Evidence Modeling of protein sequence and biophysical properties (such as structural, functional, and spatial information, amino acid conservation, physicochemical variation, residue mobility, and thermodynamic stability) indicates that this missense variant is expected to disrupt CFI protein function with a positive predictive value of 80%. For these reasons, this variant has been classified as Pathogenic.

North West Genomic Laboratory Hub, Manchester University NHS Foundation Trust
Classification: Likely pathogenic for Primary immunodeficiency or monogenic inflammatory bowel disease. Last evaluated: 2025-11-12. Review status: criteria provided, single submitter. Criteria: ACGS Best Practice Guidelines for Variant Classification in Rare Disease 2024. Collection method: clinical testing. Allele origin: germline. Affected: yes.
Comment: PM3_Mod PP3_Supp PP4_Mod PM2_Mod

Genomenon, Inc
Classification: Pathogenic for CFI-related disorder. Last evaluated: 2025-09-26. Review status: criteria provided, single submitter. Criteria: Genomenon Sequence Variant Interpretation Standards - Updated. Collection method: curation. Allele origin: germline. Affected: yes.
Comment: CFI p.His380Arg (c.1139A>G) is a missense variant that changes the amino acid at residue 380 from Histidine to Arginine. This variant has been observed in at least one proband affected with complement factor I deficiency (PMID:28942469;29696024). The variant was found to segregate with disease in at least one affected family (PMID:28942469). At least one functional study has demonstrated a substantial alteration in protein function relative to the wild-type (PMID:36643920). It is absent or not present at a significant frequency in gnomAD. In silico models agree that this variant is possibly or probably damaging. In conclusion, we classify CFI p.His380Arg (c.1139A>G) as a pathogenic variant.

Literature cited by the submitters: PubMed 28942469 (cited by Labcorp Genetics (formerly Invitae), Labcorp and Genomenon, Inc); PubMed 29696024 (cited by Labcorp Genetics (formerly Invitae), Labcorp); 29696024 (cited by Genomenon, Inc); 36643920 (cited by Genomenon, Inc).

NM_000204.5(CFI):c.1139A>G (p.His380Arg)

Gene: CFI (complement factor I; minus strand). Cytogenetic location: 4q25.
Variant type: single nucleotide variant.
Coding change: c.1139A>G on transcript NM_000204.5 (MANE Select); coding-DNA position 1139, A replaced by G.
Protein change: p.His380Arg; replaces histidine 380 with arginine.
Molecular consequence: missense variant. On other transcripts: non-coding transcript variant (3).
Genome position (GRCh38, 1-based): chr4:109,749,227, T>C on the plus strand (A>G on the coding strand, the complement: CFI is on the minus strand). VCF-style: chr4-109749227-T-C. GRCh37 (hg19) VCF-style: chr4-110670383-T-C.
Other names: c.1163A>G, p.His388Arg (NM_001318057.2, NM_001375278.1); c.1118A>G, p.His373Arg (NM_001331035.2, NM_001375280.1, NM_001375282.1); c.1139A>G, p.His380Arg (NM_001375279.1, NM_001375281.1); c.1082A>G, p.His361Arg (NM_001375283.1); c.530A>G, p.His177Arg (NM_001375284.1); short protein forms H177R, H380R, H373R, H361R, H388R.
Identifiers: ClinVar variation 2203560 (VCV002203560.6), dbSNP rs1339444612, ClinGen allele CA357858638.
Genomic context (GRCh38, chr4:109,749,227, plus strand): 5'-CTCACTTTCATTGTTTCGGGAAATCTAAAATTTACTGAAGACATCTTTTACCTGAGACAA[T>C]GTGCAGCAGTCAGAATCCAACAGCCACCAATATAAATTCCCCCACAGGTGATTCCACTGG-3'
Protein context (NP_000195.3, residues 370-390): IGGCWILTAA[His380Arg]CLRASKTHRY